The following is an entry in ClinVar:

ClinVar aggregate classification (germline): Pathogenic. Review status: criteria provided, multiple submitters, no conflicts (2 of 4 stars). 8 submissions from 8 submitters: Pathogenic (6). 2 of the submissions do not count toward it. Last evaluated 2026-01-09.

Conditions:
Fanconi anemia complementation group A (FANCA). Also called: Fanconi anemia, group A; FANCA-Related Fanconi Anemia. Identifiers: Orphanet 84, MedGen C3469521, MONDO:0009215, OMIM 227650.
Fanconi anemia (FA). Also called: Fanconi's anemia. Identifiers: Orphanet 84, MedGen C0015625, MeSH D005199, MONDO:0019391.

Submissions (8):

Labcorp Genetics (formerly Invitae), Labcorp
Classification: Pathogenic for Fanconi anemia. Last evaluated: 2026-01-09. Review status: criteria provided, single submitter. Criteria: Invitae Variant Classification Sherloc (09022015). Collection method: clinical testing. Allele origin: germline.
Comment: This sequence change creates a premature translational stop signal (p.Asp944delinsGlyAsnSerThr*) in the FANCA gene. It is expected to result in an absent or disrupted protein product. Loss-of-function variants in FANCA are known to be pathogenic (PMID: 19367192). This variant is present in population databases (no rsID available, gnomAD 0.002%). This premature translational stop signal has been observed in individuals with Fanconi anemia (PMID: 24584348, 26740942, 29098742). ClinVar contains an entry for this variant (Variation ID: 552489). For these reasons, this variant has been classified as Pathogenic.

Natera, Inc.
Classification: Pathogenic for Fanconi anemia. Last evaluated: 2025-05-08. Review status: criteria provided, single submitter. Criteria: Natera Variant Classification Schema (03/2026). Collection method: clinical testing. Allele origin: germline.
Comment: The c.2812_2830dupGAAATTCAACCTGAAGCTG variant in FANCA is a frameshift variant predicted to shift the reading frame beginning at codon 944 and leads to a stop codon 5 codons downstream. This variant is expected to result in nonsense mediated decay, truncation, or a dysfunctional protein product. This variant is rare in the general population with a frequency below the threshold expected for the associated phenotype(s). This variant has been observed in one or more individuals affected with the associated recessive disease, as either homozygous or compound heterozygous with a second variant (PMID: 22778927, 26136524). Given the available evidence, this variant is classified as Pathogenic.

St. Jude Molecular Pathology, St. Jude Children's Research Hospital
Classification: Pathogenic for Fanconi anemia complementation group A. Last evaluated: 2024-08-20. Review status: criteria provided, single submitter. Criteria: St. Jude Assertion Criteria 2020. Collection method: clinical testing. Allele origin: germline.
Comment: The FANCA c.2812_2830dup (p.Asp944GlyfsTer5) change duplicates 19 nucleotides to cause a frameshift and the creation of a premature stop codon. This change is predicted to cause protein truncation or absence of protein due to nonsense-mediated decay. This variant has been reported in individuals with Fanconi anemia (PMID: 26740942, 29098742). In summary, this variant meets criteria to be classified as pathogenic.

Fulgent Genetics
Classification: Pathogenic for Fanconi anemia complementation group A. Last evaluated: 2024-03-29. Review status: criteria provided, single submitter. Criteria: ACMG Guidelines, 2015. Collection method: clinical testing. Allele origin: germline.

Baylor Genetics
Classification: Pathogenic for Fanconi anemia complementation group A. Last evaluated: 2024-01-11. Review status: criteria provided, single submitter. Criteria: ACMG Guidelines, 2015. Collection method: clinical testing. Allele origin: unknown.

Genetic Services Laboratory, University of Chicago
Classification: Pathogenic. Last evaluated: 2017-07-28. Review status: criteria provided, single submitter. Criteria: ACMG Guidelines, 2015. Collection method: clinical testing. Allele origin: germline. Affected: yes.
Comment: This sequence change results in an amino acid frameshift and creates a premature stop codon 4 amino acids downstream of the mutation, p.Asp944Glyfs*5. This pathogenic sequence change is predicted to result in an abnormal transcript, which may be degraded, or may lead to the production of a truncated FANCA protein with potentially abnormal function. This pathogenic sequence change has previously been described in patients with Fanconi anemia (Morgan NV, et al., 1999; Savino M et al., 1997; De Rocco D et al., 2014; Nicchia E, et al., 2015).

Leiden Open Variation Database
Classification: Pathogenic for Fanconi anemia complementation group A. Last evaluated: 2020-02-28. Review status: no assertion criteria provided. Collection method: curation. Allele origin: germline. Affected: yes. Not counted in ClinVar's aggregate classification.
Comment: Curator: Arleen D. Auerbach. Submitters to LOVD: Arleen D. Auerbach, Johan de Winter, Sue Richards.

Counsyl
Classification: Pathogenic for Fanconi anemia complementation group A. Last evaluated: 2017-06-13. Review status: no assertion criteria provided. Collection method: clinical testing. Allele origin: unknown. Not counted in ClinVar's aggregate classification.

Literature cited by the submitters: PubMed 19367192 (cited by Labcorp Genetics (formerly Invitae), Labcorp); PubMed 24584348 (cited by Labcorp Genetics (formerly Invitae), Labcorp); PubMed 26740942 (cited by Labcorp Genetics (formerly Invitae), Labcorp and Counsyl); PubMed 29098742 (cited by Labcorp Genetics (formerly Invitae), Labcorp); PubMed 22778927 (cited by 3 submitters); PubMed 26136524 (cited by Natera, Inc. and Counsyl); PubMed 09399890 (cited by Leiden Open Variation Database); PubMed 12955722 (cited by Leiden Open Variation Database); PubMed 9399890 (cited by Counsyl).

NM_000135.4(FANCA):c.2812_2830dup (p.Asp944delinsGlyAsnSerThrTer)

Gene: FANCA (FA complementation group A; minus strand). Cytogenetic location: 16q24.3.
Variant type: Duplication.
Coding change: c.2812_2830dup on transcript NM_000135.4 (MANE Select); coding-DNA positions 2812 to 2830, 19 bases duplicated (GAAATTCAACCTGAAGCTG).
Protein change: p.Asp944delinsGlyAsnSerThrTer.
Molecular consequence: nonsense.
Genome position (GRCh38, 1-based): chr16:89,761,971-89,761,989, CAGCTTCAGGTTGAATTTC duplicated on the plus strand (GAAATTCAACCTGAAGCTG on the coding strand, the reverse complement: FANCA is on the minus strand); duplicating any 19 consecutive bases within chr16:89,761,971-89,761,994 gives the same sequence; the c. name uses the placement nearest the transcript's 3' end. VCF-style (leftmost placement, unchanged base first): chr16-89761970-T-TCAGCTTCAGGTTGAATTTC. GRCh37 (hg19) VCF-style: chr16-89828378-T-TCAGCTTCAGGTTGAATTTC.
Other names: c.2812_2830dup (LRG_495t1); c.2812_2830dupGAAATTCAACCTGAAGCTG (NM_000135.3, NM_000135.4); c.2812_2830dup, p.Asp944delinsGlyAsnSerThrTer (NM_001286167.3).
Identifiers: ClinVar variation 552489 (VCV000552489.23), dbSNP rs1283284704, ClinGen allele CA624246761.
Genomic context (GRCh38, chr16:89,761,970, plus strand): 5'-CCATCATGCCTGGCCAGGGTAGCTCTTTTCAACACTTACCGTTCAGTATCTGAAAGAGCA[T>TCAGCTTCAGGTTGAATTTC]CAGCTTCAGGTTGAATTTCCAGCTCCAGGTGTAACCAGTCTTGGTAAGTTAACTGAGAAA-3'